The following is an entry in ClinVar:

ClinVar aggregate classification (germline): Uncertain significance (1 of 4 stars; one submission).

Conditions:
Inborn genetic diseases. Identifiers: MedGen C0950123, MeSH D030342.

Submission:

Ambry Genetics
Classification: Uncertain significance for Inborn genetic diseases. Last evaluated: 2023-09-01. Review status: criteria provided, single submitter. Criteria: Ambry Variant Classification Scheme 2023. Collection method: clinical testing. Allele origin: germline.
Comment: The p.M2466V variant (also known as c.7396A>G), located in coding exon 44 of the ATR gene, results from an A to G substitution at nucleotide position 7396. The methionine at codon 2466 is replaced by valine, an amino acid with highly similar properties. This amino acid position is conserved. In addition, this alteration is predicted to be deleterious by in silico analysis. Since supporting evidence is limited at this time, the clinical significance of this alteration remains unclear.

NM_001184.4(ATR):c.7396A>G (p.Met2466Val)

Gene: ATR (ATR checkpoint kinase; minus strand). Cytogenetic location: 3q23.
Variant type: single nucleotide variant.
Coding change: c.7396A>G on transcript NM_001184.4 (MANE Select); coding-DNA position 7396, A replaced by G.
Protein change: p.Met2466Val; replaces methionine 2466 with valine.
Molecular consequence: missense variant.
Genome position (GRCh38, 1-based): chr3:142,459,065, T>C on the plus strand (A>G on the coding strand, the complement: ATR is on the minus strand). VCF-style: chr3-142459065-T-C. GRCh37 (hg19) VCF-style: chr3-142177907-T-C.
Other names: c.7204A>G, p.Met2402Val (NM_001354579.2); short protein forms M2402V, M2466V.
Identifiers: ClinVar variation 2614059 (VCV002614059.2), dbSNP rs2108260457, ClinGen allele CA354796203.